The following is an entry in ClinVar:

ClinVar aggregate classification (germline): Uncertain significance (1 of 4 stars; one submission).

Allele frequency attached by ClinVar (database versions not stated): ExAC 0.00003; gnomAD exomes 0.00005 and 0.00003; TOPMed 0.00005; gnomAD 0.00002; ESP Exome Variant Server 0.00008.

Submission:

Labcorp Genetics (formerly Invitae), Labcorp
Classification: Uncertain significance. Last evaluated: 2023-07-21. Review status: criteria provided, single submitter. Criteria: Invitae Variant Classification Sherloc (09022015). Collection method: clinical testing. Allele origin: germline.
Comment: This variant is present in population databases (rs372742540, gnomAD 0.006%). This variant has not been reported in the literature in individuals affected with LRRC10-related conditions. ClinVar contains an entry for this variant (Variation ID: 1519165). Algorithms developed to predict the effect of missense changes on protein structure and function output the following: SIFT: "Not Available"; PolyPhen-2: "Benign"; Align-GVGD: "Not Available". The histidine amino acid residue is found in multiple mammalian species, which suggests that this missense change does not adversely affect protein function. In summary, the available evidence is currently insufficient to determine the role of this variant in disease. Therefore, it has been classified as a Variant of Uncertain Significance. This sequence change replaces arginine, which is basic and polar, with histidine, which is basic and polar, at codon 165 of the LRRC10 protein (p.Arg165His).

NM_201550.4(LRRC10):c.494G>A (p.Arg165His)

Gene: LRRC10 (leucine rich repeat containing 10; minus strand). Cytogenetic location: 12q15.
Variant type: single nucleotide variant.
Coding change: c.494G>A on transcript NM_201550.4 (MANE Select); coding-DNA position 494, G replaced by A.
Protein change: p.Arg165His; replaces arginine 165 with histidine.
Molecular consequence: missense variant.
Genome position (GRCh38, 1-based): chr12:69,610,345, C>T on the plus strand (G>A on the coding strand, the complement: LRRC10 is on the minus strand). VCF-style: chr12-69610345-C-T. GRCh37 (hg19) VCF-style: chr12-70004125-C-T.
Other names: short protein forms R165H.
Identifiers: ClinVar variation 1519165 (VCV001519165.8), dbSNP rs372742540, ClinGen allele CA6681054.
Genomic context (GRCh38, chr12:69,610,345, plus strand): 5'-ACAGTGGGAAAGTCAGTTAGCCGGTTGCCCGAGAGCCAGATGGTCCTCAGCTCCTGGAGG[C>T]GCCGGAGCTGGCCTGGCAGCAAACGCAGGGCGTTGGAGCCGGCATGCAGAGTCTTAAGGA-3'
Protein context (NP_963844.2, residues 155-175): ALRLLPGQLR[Arg165His]LQELRTIWLS